The following is an entry in ClinVar:

ClinVar aggregate classification (germline): Conflicting classifications of pathogenicity. Review status: criteria provided, conflicting classifications (1 of 4 stars). 3 submissions from 3 submitters: Uncertain significance (2); Likely benign (1). Last evaluated 2023-07-09.

Conditions:
Hereditary cancer-predisposing syndrome. Also called: Neoplastic Syndromes, Hereditary; Hereditary Cancer Syndrome; Tumor predisposition; Hereditary neoplastic syndrome. Identifiers: Orphanet 140162, MedGen C0027672, MeSH D009386, MONDO:0015356.
Ataxia-telangiectasia syndrome (AT). Also called: LOUIS-BAR SYNDROME; Cerebello-oculocutaneous telangiectasia; Immunodeficiency with ataxia telangiectasia; Ataxia-telangiectasia, complementation group D; AT, COMPLEMENTATION GROUP C; Ataxia-telangiectasia, complementation group E. Identifiers: Orphanet 100, MedGen C0004135, MONDO:0008840, OMIM 208900.

Allele frequency attached by ClinVar (database versions not stated): gnomAD exomes below 0.00001.
gnomAD v4.1: 1 of 1,614,208 alleles (0.000062%); highest among the groups gnomAD compares: Non-Finnish European, 0.000085%; no homozygotes.

Submissions (3):

Ambry Genetics
Classification: Likely benign for Hereditary cancer-predisposing syndrome. Last evaluated: 2023-07-09. Review status: criteria provided, single submitter. Criteria: Ambry Variant Classification Scheme 2023. Collection method: clinical testing. Allele origin: germline.

Labcorp Genetics (formerly Invitae), Labcorp
Classification: Uncertain significance for Ataxia-telangiectasia syndrome. Last evaluated: 2021-06-09. Review status: criteria provided, single submitter. Criteria: Invitae Variant Classification Sherloc (09022015). Collection method: clinical testing. Allele origin: germline.
Comment: This sequence change replaces lysine with methionine at codon 2303 of the ATM protein (p.Lys2303Met). The lysine residue is moderately conserved and there is a moderate physicochemical difference between lysine and methionine. This variant is not present in population databases (ExAC no frequency). This variant has not been reported in the literature in individuals with ATM-related disease. ClinVar contains an entry for this variant (Variation ID: 421478). Algorithms developed to predict the effect of missense changes on protein structure and function do not agree on the potential impact of this missense change (SIFT: "Tolerated"; PolyPhen-2: "Possibly Damaging"; Align-GVGD: "Class C0"). In summary, the available evidence is currently insufficient to determine the role of this variant in disease. Therefore, it has been classified as a Variant of Uncertain Significance.

GeneDx
Classification: Uncertain significance. Last evaluated: 2016-06-17. Review status: criteria provided, single submitter. Criteria: GeneDx Variant Classification (06012015). Collection method: clinical testing. Allele origin: germline. Affected: yes.
Comment: This variant is denoted ATM c.6908A>T at the cDNA level, p.Lys2303Met (K2303M) at the protein level, and results in the change of a Lysine to a Methionine (AAG>ATG). This variant has not, to our knowledge, been published in the literature as pathogenic or benign. ATM Lys2303Met was not observed in approximately 6,500 individuals of European and African American ancestry in the NHLBI Exome Sequencing Project, suggesting it is not a common benign variant in these populations. Since Lysine and Methionine differ in polarity, charge, size or other properties, this is considered a non-conservative amino acid substitution. ATM Lys2303Met occurs at a position that is not conserved and is located within the FAT domain (Tavtigian 2009, Stracker 2013). In silico analyses predict that this variant is probably damaging to protein structure and function. Based on currently available evidence, it is unclear whether ATM Lys2303Met is a pathogenic or benign variant. We consider it to be a variant of uncertain significance.

NM_000051.4(ATM):c.6908A>T (p.Lys2303Met)

Genes: ATM (ATM serine/threonine kinase; plus strand), C11orf65 (chromosome 11 open reading frame 65; minus strand). Cytogenetic location: 11q22.3.
Variant type: single nucleotide variant.
Coding change: c.6908A>T on transcript NM_000051.4 (MANE Select); coding-DNA position 6908, A replaced by T.
Protein change: p.Lys2303Met; replaces lysine 2303 with methionine.
Molecular consequence: missense variant. On other transcripts: intron variant (2).
Genome position (GRCh38, 1-based): chr11:108,326,158, A>T. VCF-style: chr11-108326158-A-T. GRCh37 (hg19) VCF-style: chr11-108196885-A-T.
Other names: c.6908A>T, p.Lys2303Met (NM_001351834.2); c.641-17087T>A (NM_001330368.2); c.*38+9062T>A (NM_001351110.2); short protein forms K2303M.
Identifiers: ClinVar variation 421478 (VCV000421478.16), dbSNP rs1064795166, ClinGen allele CA16619222.
Genomic context (GRCh38, chr11:108,326,158, plus strand): 5'-CAGTTAGCTGTGGAGTCTCTGAGTGGCAGCTGGAAGAAGCACAAGTATTCTGGGCAAAAA[A>T]GGAGCAGAGTCTTGCCCTGAGTATTCTCAAGCAAATGATCAAGAAGTTGGATGCCAGCTG-3'
Protein context (NP_000042.3, residues 2293-2313): LEEAQVFWAK[Lys2303Met]EQSLALSILK